The following is an entry in ClinVar:

NM_024610.6(HSPBAP1):c.1282T>C (p.Leu428=)

Gene: HSPBAP1 (HSPB1 associated protein 1; minus strand). Cytogenetic location: 3q21.1.
Variant type: single nucleotide variant.
Coding change: c.1282T>C on transcript NM_024610.6 (MANE Select); coding-DNA position 1282, T replaced by C.
Protein change: p.Leu428=; no amino-acid change (leucine 428 retained).
Molecular consequence: synonymous variant.
Genome position (GRCh38, 1-based): chr3:122,740,530, A>G on the plus strand (T>C on the coding strand, the complement: HSPBAP1 is on the minus strand). VCF-style: chr3-122740530-A-G. GRCh37 (hg19) VCF-style: chr3-122459377-A-G.
Other names: c.1198T>C, p.Leu400= (NM_001320728.2).
Identifiers: ClinVar variation 3904834 (VCV003904834.10).

ClinVar aggregate classification (germline): Likely benign (1 of 4 stars; one submission).

gnomAD v4.1: 1,483 of 1,614,074 alleles (0.092%); highest among the groups gnomAD compares: Middle Eastern, 0.51%; 7 homozygotes.

Submission:

CeGaT Center for Human Genetics Tuebingen
Classification: Likely benign. Last evaluated: 2026-05-01. Review status: criteria provided, single submitter. Criteria: CeGaT Center For Human Genetics Tuebingen Variant Classification Criteria Version 2. Collection method: clinical testing. Allele origin: germline. Affected: yes. Observed: 3 variant alleles.
Comment: HSPBAP1: BP4, BP7